The following is an entry in ClinVar:

ClinVar aggregate classification (germline): Benign. Review status: criteria provided, multiple submitters, no conflicts (2 of 4 stars). 6 submissions from 6 submitters: Benign (4). 2 of the submissions do not count toward it. Last evaluated 2025-03-04.

Allele frequency attached by ClinVar (database versions not stated): ESP Exome Variant Server 0.02522; TOPMed 0.02818; 1000 Genomes Project 30x 0.03420; gnomAD 0.02608 and 0.02455; gnomAD exomes 0.00664 and 0.00276; ExAC 0.00772; 1000 Genomes Project 0.03295.
gnomAD v4.1: 7,986 of 1,611,754 alleles (0.5%); highest among the groups gnomAD compares: African/African-American, 8.5%; 274 homozygotes.

Submissions (6):

Center for Genomic Medicine, Rigshospitalet, Copenhagen University Hospital
Classification: Benign. Last evaluated: 2025-03-04. Review status: criteria provided, single submitter. Criteria: ACMG Guidelines, 2015. Collection method: clinical testing. Allele origin: germline.
Comment: Classification criteria: BA1

ARUP Laboratories, Molecular Genetics and Genomics, ARUP Laboratories
Classification: Benign. Last evaluated: 2023-10-14. Review status: criteria provided, single submitter. Criteria: ARUP Molecular Germline Variant Investigation Process 2024. Collection method: clinical testing. Allele origin: germline.

GeneDx
Classification: Benign. Last evaluated: 2016-10-24. Review status: criteria provided, single submitter. Criteria: GeneDx Variant Classification (06012015). Collection method: clinical testing. Allele origin: germline. Affected: yes.
Comment: This variant is considered likely benign or benign based on one or more of the following criteria: it is a conservative change, it occurs at a poorly conserved position in the protein, it is predicted to be benign by multiple in silico algorithms, and/or has population frequency not consistent with disease.

Breakthrough Genomics
Classification: Benign. Review status: criteria provided, single submitter. Criteria: ACMG Guidelines, 2015. Collection method: not provided. Allele origin: germline. Inheritance: Autosomal dominant inheritance. Affected: yes.

ITMI
No classification provided. Condition: AllHighlyPenetrant. Last evaluated: 2013-09-19. Review status: no classification provided. Collection method: reference population. Allele origin: germline. Not counted in ClinVar's aggregate classification.
Comment: Please see associated publication for description of ethnicities

Biesecker Lab/Clinical Genomics Section, National Institutes of Health
Classification: Benign. Last evaluated: 2012-07-13. Review status: no assertion criteria provided. Collection method: research. Allele origin: germline. Affected: no. Observed: 2 variant alleles. Study: ClinSeq. Not counted in ClinVar's aggregate classification.
ClinVar note: Converted during submission from no known pathogenicity to Benign.

Literature cited by the submitters: PubMed 24728327 (cited by ITMI).

NM_001083603.1(PTCH1):c.163G>C (p.Asp55His)

Gene: PTCH1 (patched 1; minus strand). Cytogenetic location: 9q22.32.
Variant type: single nucleotide variant.
Coding change: c.163G>C on transcript NM_001083603.1; coding-DNA position 163, G replaced by C.
Protein change: p.Asp55His; replaces aspartic acid 55 with histidine.
Molecular consequence: 5 prime UTR variant (on NM_001354919.2). On other transcripts: missense variant (1).
Genome position (GRCh38, 1-based): chr9:95,516,658, C>G on the plus strand (G>C on the coding strand, the complement: PTCH1 is on the minus strand). VCF-style: chr9-95516658-C-G. GRCh37 (hg19) VCF-style: chr9-98278940-C-G.
Other names: c.-187G>C (NM_001354919.2, NM_001083602.3); c.163G>C, p.Asp55His (NM_001083603.3); short protein forms D55H.
Identifiers: ClinVar variation 41769 (VCV000041769.18), dbSNP rs73527759, ClinGen allele CA161771.